The following is an entry in ClinVar:

NM_004972.4(JAK2):c.915_918del (p.Ser306fs)

Genes: INSL6 (insulin like 6; minus strand), JAK2 (Janus kinase 2; plus strand). Cytogenetic location: 9p24.1.
Variant type: Deletion.
Coding change: c.915_918del on transcript NM_004972.4 (MANE Select); coding-DNA positions 915 to 918, 4 bases deleted (AAGT; older notation c.915_918delAAGT).
Protein change: p.Ser306fs; shifts the reading frame from serine 306.
Molecular consequence: frameshift variant. On other transcripts: non-coding transcript variant (2), intron variant (2).
Genome position (GRCh38, 1-based): chr9:5,054,863-5,054,866, AAGT deleted. VCF-style (leftmost placement, unchanged base first): chr9-5054862-AAAGT-A. GRCh37 (hg19) VCF-style: chr9-5054862-AAAGT-A.
Other names: c.915_918del, p.Ser306fs (NM_001322194.2, NM_001322195.2, NM_001322196.2); c.468_471del, p.Ser157fs (NM_001322204.2); c.-280+74_-280+77del (NM_001322198.2, NM_001322199.2); short protein forms S306fs, S157fs.
Identifiers: ClinVar variation 1980469 (VCV001980469.4), dbSNP rs2488973554, ClinGen allele CA2580080210.

ClinVar aggregate classification (germline): Uncertain significance (1 of 4 stars; one submission).

Submission:

Labcorp Genetics (formerly Invitae), Labcorp
Classification: Uncertain significance. Last evaluated: 2022-10-04. Review status: criteria provided, single submitter. Criteria: Invitae Variant Classification Sherloc (09022015). Collection method: clinical testing. Allele origin: germline.
Comment: This sequence change creates a premature translational stop signal (p.Ser306Argfs*3) in the JAK2 gene. It is expected to result in an absent or disrupted protein product. However, the current clinical and genetic evidence is not sufficient to establish whether loss-of-function variants in JAK2 cause disease. This variant is not present in population databases (gnomAD no frequency). This variant has not been reported in the literature in individuals affected with JAK2-related conditions. Experimental studies and prediction algorithms are not available or were not evaluated, and the functional significance of this variant is currently unknown. In summary, the available evidence is currently insufficient to determine the role of this variant in disease. Therefore, it has been classified as a Variant of Uncertain Significance.